The following is an entry in ClinVar:

ClinVar aggregate classification (germline): Likely pathogenic (1 of 4 stars; one submission).

Conditions:
Neurodevelopmental disorder with language delay and variable cognitive abnormalities (NEDLC). Identifiers: MedGen C5882689, MONDO:0957779, OMIM 620502.

Submission:

Department of Clinical Genetics, Aarhus University Hospital
Classification: Likely pathogenic for Neurodevelopmental disorder with language delay and variable cognitive abnormalities. Last evaluated: 2025-07-01. Review status: criteria provided, single submitter. Criteria: ACMG Guidelines, 2015. Collection method: clinical testing. Allele origin: de novo. Affected: yes.
Comment: The variant is a missense variant in a gene with low benign missense variation and a missense constraint of 5.54 accoding to GnomADv4.1 (PP2). The variant has not been documented in ClinVar, GnomADv4.1, HGMD, or our internal database (PM2 supporting). A different missense variant at the same position (Ala→Thr) has been classified as pathogenic in ClinVar (ID: 1804152) and HGMDv2025.2 (ID: CM2225080), based on the study by Cediel et al. (2022) published in the American Journal of Human Genetics. However, the amino acid substitution in this case is from a nonpolar to another nonpolar residue, while the ClinVar/HGMD variant involves a change from nonpolar to polar. Thus, PM5 is applied only as supporting evidence. Computational tools, including REVEL, CADD, and AlphaMissense, predict this variant to be pathogenic, fulfilling the PP3 criterion. Based on the combined evidence (PS2mod+PM2sup+PM5sup+PP2+PP3), this variant is classified as Class 4, likely pathogenic.

NM_001470.4(GABBR1):c.1604C>T (p.Ala535Val)

Gene: GABBR1 (gamma-aminobutyric acid type B receptor subunit 1; minus strand). Cytogenetic location: 6p22.1.
Variant type: single nucleotide variant.
Coding change: c.1604C>T on transcript NM_001470.4 (MANE Select); coding-DNA position 1604, C replaced by T.
Protein change: p.Ala535Val; replaces alanine 535 with valine.
Molecular consequence: missense variant.
Genome position (GRCh38, 1-based): chr6:29,612,577, G>A on the plus strand (C>T on the coding strand, the complement: GABBR1 is on the minus strand). VCF-style: chr6-29612577-G-A. GRCh37 (hg19) VCF-style: chr6-29580354-G-A.
Other names: c.1073C>T, p.Ala358Val (NM_001319053.2); c.1253C>T, p.Ala418Val (NM_021903.3); c.1418C>T, p.Ala473Val (NM_021904.4); short protein forms A358V, A418V, A473V, A535V.
Identifiers: ClinVar variation 4845651 (VCV004845651.1).
Genomic context (GRCh38, chr6:29,612,577, plus strand): 5'-CCCATGTCCGGTCCCCTCCTGCCCCTGTACTAACCCTGAAGCTGCTCGATAAGCGTCCAT[G>A]CCATCCGAGAGCCGCTGGCATCAAACACCACATGGCCCTGAGGGAAGGAACATGTGGAGC-3'
Protein context (NP_001461.1, residues 525-545): VVFDASGSRM[Ala535Val]WTLIEQLQGG